The following is an entry in ClinVar:

NM_001267550.2(TTN):c.104953A>G (p.Ser34985Gly)

Genes: TTN-AS1 (TTN antisense RNA 1; plus strand), TTN (titin; minus strand). Cytogenetic location: 2q31.2.
Variant type: single nucleotide variant.
Coding change: c.104953A>G on transcript NM_001267550.2 (MANE Select); coding-DNA position 104953, A replaced by G.
Protein change: p.Ser34985Gly; replaces serine 34985 with glycine.
Molecular consequence: missense variant.
Genome position (GRCh38, 1-based): chr2:178,531,662, T>C on the plus strand (A>G on the coding strand, the complement: TTN is on the minus strand). VCF-style: chr2-178531662-T-C. GRCh37 (hg19) VCF-style: chr2-179396389-T-C.
Other names: p.S33344G:AGC>GGC; c.100030A>G, p.Ser33344Gly (NM_001256850.1); c.77758A>G, p.Ser25920Gly (NM_003319.4); c.97249A>G, p.Ser32417Gly (NM_133378.4); c.78133A>G, p.Ser26045Gly (NM_133432.3); c.78334A>G, p.Ser26112Gly (NM_133437.4); short protein forms S33344G, S34985G, S25920G, S26112G, S32417G, S26045G.
Identifiers: ClinVar variation 203087 (VCV000203087.6), dbSNP rs765030518, ClinGen allele CA311199.

ClinVar aggregate classification (germline): Conflicting classifications of pathogenicity. Review status: criteria provided, conflicting classifications (1 of 4 stars). 3 submissions from 3 submitters: Uncertain significance (2); Likely benign (1). Last evaluated 2026-09-06.

Conditions:
TTN-related disorder. Also called: TTN-related condition; TTN-related disease; TTN-related disorders.
Dilated cardiomyopathy 1G (CMD1G). Identifiers: Orphanet 154, MedGen C1858763, MONDO:0011400, OMIM 604145.
Autosomal recessive limb-girdle muscular dystrophy type 2J (LGMDR10). Also called: Limb-girdle muscular dystrophy, type 2J; MUSCULAR DYSTROPHY, LIMB-GIRDLE, AUTOSOMAL RECESSIVE 10. Identifiers: Orphanet 140922, MedGen C1837342, MONDO:0012127, OMIM 608807.

Allele frequency attached by ClinVar (database versions not stated): TOPMed 0.00001; ExAC 0.00002; gnomAD exomes 0.00002.
gnomAD v4.1: 35 of 1,613,992 alleles (0.0022%); highest among the groups gnomAD compares: Non-Finnish European, 0.0028%; no homozygotes.

Submissions (3):

PreventionGenetics, part of Exact Sciences
Classification: Uncertain significance for TTN-related condition. Last evaluated: 2026-09-06. Review status: criteria provided, single submitter. Criteria: ACMG Guidelines, 2015. Collection method: clinical testing. Allele origin: germline.
Comment: The TTN c.104953A>G variant is predicted to result in the amino acid substitution p.Ser34985Gly. To our knowledge, this variant has not been reported in the literature. This variant is reported in 0.0056% of alleles in individuals of East Asian descent in gnomAD. At this time, the clinical significance of this variant is uncertain due to the absence of conclusive functional and genetic evidence.

GeneDx
Classification: Likely benign. Last evaluated: 2018-04-04. Review status: criteria provided, single submitter. Criteria: GeneDx Variant Classification Process June 2021. Collection method: clinical testing. Allele origin: germline. Affected: yes.

Labcorp Genetics (formerly Invitae), Labcorp
Classification: Uncertain significance for Dilated cardiomyopathy 1G; Autosomal recessive limb-girdle muscular dystrophy type 2J. Last evaluated: 2017-12-06. Review status: criteria provided, single submitter. Criteria: Invitae Variant Classification Sherloc (09022015). Collection method: clinical testing. Allele origin: germline.